The following is an entry in ClinVar:

ClinVar aggregate classification (germline): Uncertain significance. Review status: criteria provided, multiple submitters, no conflicts (2 of 4 stars). 3 submissions from 3 submitters: Uncertain significance (3). Last evaluated 2022-08-16.

Conditions:
Inborn genetic diseases. Identifiers: MedGen C0950123, MeSH D030342.

Allele frequency attached by ClinVar (database versions not stated): ExAC 0.00003; gnomAD exomes 0.00005.

Submissions (3):

Labcorp Genetics (formerly Invitae), Labcorp
Classification: Uncertain significance. Last evaluated: 2022-08-16. Review status: criteria provided, single submitter. Criteria: Invitae Variant Classification Sherloc (09022015). Collection method: clinical testing. Allele origin: germline.
Comment: This sequence change replaces aspartic acid, which is acidic and polar, with asparagine, which is neutral and polar, at codon 295 of the KIAA1549 protein (p.Asp295Asn). This variant is present in population databases (rs753808111, gnomAD 0.02%). This variant has not been reported in the literature in individuals affected with KIAA1549-related conditions. ClinVar contains an entry for this variant (Variation ID: 1501670). Algorithms developed to predict the effect of missense changes on protein structure and function output the following: SIFT: "Tolerated"; PolyPhen-2: "Benign"; Align-GVGD: "Class C0". The asparagine amino acid residue is found in multiple mammalian species, which suggests that this missense change does not adversely affect protein function. In summary, the available evidence is currently insufficient to determine the role of this variant in disease. Therefore, it has been classified as a Variant of Uncertain Significance.

Ambry Genetics
Classification: Uncertain significance for Inborn genetic diseases. Last evaluated: 2021-07-14. Review status: criteria provided, single submitter. Criteria: Ambry Variant Classification Scheme 2023. Collection method: clinical testing. Allele origin: germline.

Blueprint Genetics
Classification: Uncertain significance. Last evaluated: 2019-12-03. Review status: criteria provided, single submitter. Criteria: ACMG Guidelines, 2015. Collection method: clinical testing. Allele origin: germline.

NM_001164665.2(KIAA1549):c.883G>A (p.Asp295Asn)

Gene: KIAA1549 (KIAA1549; minus strand). Cytogenetic location: 7q34.
Variant type: single nucleotide variant.
Coding change: c.883G>A on transcript NM_001164665.2 (MANE Select); coding-DNA position 883, G replaced by A.
Protein change: p.Asp295Asn; replaces aspartic acid 295 with asparagine.
Molecular consequence: missense variant.
Genome position (GRCh38, 1-based): chr7:138,918,743, C>T on the plus strand (G>A on the coding strand, the complement: KIAA1549 is on the minus strand). VCF-style: chr7-138918743-C-T. GRCh37 (hg19) VCF-style: chr7-138603489-C-T.
Other names: c.883G>A, p.Asp295Asn (NM_020910.3); c.883G>A (NM_001164665.1); short protein forms D295N.
Identifiers: ClinVar variation 1501670 (VCV001501670.7), dbSNP rs753808111, ClinGen allele CA4506841.